The following is an entry in ClinVar:

NM_001128840.3(CACNA1D):c.331C>T (p.Leu111Phe)

Gene: CACNA1D (calcium voltage-gated channel subunit alpha1 D; plus strand). Cytogenetic location: 3p21.1.
Variant type: single nucleotide variant.
Coding change: c.331C>T on transcript NM_001128840.3 (MANE Select); coding-DNA position 331, C replaced by T.
Protein change: p.Leu111Phe; replaces leucine 111 with phenylalanine.
Molecular consequence: missense variant.
Genome position (GRCh38, 1-based): chr3:53,497,415, C>T. VCF-style: chr3-53497415-C-T. GRCh37 (hg19) VCF-style: chr3-53531442-C-T.
Other names: c.331C>T, p.Leu111Phe (NM_000720.4, NM_001128839.3); short protein forms L111F.
Identifiers: ClinVar variation 3672710 (VCV003672710.2).

ClinVar aggregate classification (germline): Uncertain significance (1 of 4 stars; one submission).

gnomAD v4.1: 1 of 1,614,100 alleles (0.000062%); highest among the groups gnomAD compares: Non-Finnish European, 0.000085%; no homozygotes.

Submission:

Labcorp Genetics (formerly Invitae), Labcorp
Classification: Uncertain significance. Last evaluated: 2025-10-13. Review status: criteria provided, single submitter. Criteria: Invitae Variant Classification Sherloc (09022015). Collection method: clinical testing. Allele origin: germline.
Comment: This sequence change replaces leucine, which is neutral and non-polar, with phenylalanine, which is neutral and non-polar, at codon 111 of the CACNA1D protein (p.Leu111Phe). This variant is present in population databases (no rsID available, gnomAD 0.007%). This variant has not been reported in the literature in individuals affected with CACNA1D-related conditions. ClinVar contains an entry for this variant (Variation ID: 3672710). Invitae Evidence Modeling of protein sequence and biophysical properties (such as structural, functional, and spatial information, amino acid conservation, physicochemical variation, residue mobility, and thermodynamic stability) indicates that this missense variant is not expected to disrupt CACNA1D protein function with a negative predictive value of 80%. In summary, the available evidence is currently insufficient to determine the role of this variant in disease. Therefore, it has been classified as a Variant of Uncertain Significance.